The following is an entry in ClinVar:

NM_194277.3(FRMD7):c.2138del (p.Phe712_Leu713insTer)

Gene: FRMD7 (FERM domain containing 7; minus strand). Cytogenetic location: Xq26.2.
Variant type: Deletion.
Coding change: c.2138del on transcript NM_194277.3 (MANE Select); coding-DNA position 2138, one base deleted (T; older notation c.2138delT).
Protein change: p.Phe712_Leu713insTer.
Molecular consequence: nonsense.
Genome position (GRCh38, 1-based): chrX:132,077,879, A deleted on the plus strand (T on the coding strand, the reverse complement: FRMD7 is on the minus strand); the first of 5 consecutive A bases (chrX:132,077,879-132,077,883); deleting any one gives the same sequence. VCF-style (leftmost placement, unchanged base first): chrX-132077878-TA-T. GRCh37 (hg19) VCF-style: chrX-131211906-TA-T.
Other names: c.2093del, p.Phe697_Leu698insTer (NM_001306193.2); c.2138delT (NM_194277.2).
Identifiers: ClinVar variation 789255 (VCV000789255.10), dbSNP rs757029488, ClinGen allele CA10518777.

ClinVar aggregate classification (germline): Benign/Likely benign. Review status: criteria provided, multiple submitters, no conflicts (2 of 4 stars). 3 submissions from 3 submitters: Benign (1); Likely benign (2). Last evaluated 2026-08-04.

Conditions:
FRMD7-related disorder. Also called: FRMD7-related condition.

Submissions (3):

PreventionGenetics, part of Exact Sciences
Classification: Likely benign for FRMD7-related condition. Last evaluated: 2026-08-04. Review status: criteria provided, single submitter. Criteria: ACMG Guidelines, 2015. Collection method: clinical testing. Allele origin: germline.
Comment: This variant is classified as likely benign based on ACMG/AMP sequence variant interpretation guidelines (Richards et al. 2015 PMID: 25741868, with internal and published modifications).

Labcorp Genetics (formerly Invitae), Labcorp
Classification: Benign. Last evaluated: 2025-10-11. Review status: criteria provided, single submitter. Criteria: Invitae Variant Classification Sherloc (09022015). Collection method: clinical testing. Allele origin: germline.

Blueprint Genetics
Classification: Likely benign. Last evaluated: 2024-11-11. Review status: criteria provided, single submitter. Criteria: ACMG Guidelines, 2015. Collection method: clinical testing. Allele origin: germline.